The following is an entry in ClinVar:

ClinVar aggregate classification (germline): Uncertain significance (1 of 4 stars; one submission).

Submission:

Women's Health and Genetics/Laboratory Corporation of America, LabCorp
Classification: Uncertain significance. Last evaluated: 2023-08-08. Review status: criteria provided, single submitter. Criteria: LabCorp Variant Classification Summary - May 2015. Collection method: clinical testing. Allele origin: germline.
Comment: Variant summary: GCDH c.242C>T (p.Pro81Leu) results in a non-conservative amino acid change located in the Acyl-CoA dehydrogenase/oxidase, N-terminal domain (IPR013786) of the encoded protein sequence. Four of five in-silico tools predict a damaging effect of the variant on protein function. The variant was absent in 251422 control chromosomes (gnomAD). The available data on variant occurrences in the general population are insufficient to allow any conclusion about variant significance. c.242C>T has been reported in the literature in association with Glutaric Acidemia Type 1, with a non-informative genotype (example: Al-Shamsi_2014). This report does not provide unequivocal conclusions about association of the variant with Glutaric Acidemia Type 1. To our knowledge, no experimental evidence demonstrating an impact on protein function has been reported. The following publication has been ascertained in the context of this evaluation (PMID: 24516753). No submitters have cited clinical-significance assessments for this variant to ClinVar after 2014. Based on the evidence outlined above, the variant was classified as uncertain significance.

Literature cited by the submitters: PubMed 24516753.

NM_000159.4(GCDH):c.242C>T (p.Pro81Leu)

Gene: GCDH (glutaryl-CoA dehydrogenase; plus strand). Cytogenetic location: 19p13.13.
Variant type: single nucleotide variant.
Coding change: c.242C>T on transcript NM_000159.4 (MANE Select); coding-DNA position 242, C replaced by T.
Protein change: p.Pro81Leu; replaces proline 81 with leucine.
Molecular consequence: missense variant. On other transcripts: non-coding transcript variant (2).
Genome position (GRCh38, 1-based): chr19:12,891,945, C>T. VCF-style: chr19-12891945-C-T. GRCh37 (hg19) VCF-style: chr19-13002759-C-T.
Other names: c.242C>T, p.Pro81Leu (NM_013976.5); short protein forms P81L.
Identifiers: ClinVar variation 2581550 (VCV002581550.1), dbSNP rs780408127, ClinGen allele CA404315411.